The following is an entry in ClinVar:

ClinVar aggregate classification (germline): Likely benign (1 of 4 stars; one submission).

Submission:

CeGaT Center for Human Genetics Tuebingen
Classification: Likely benign. Last evaluated: 2026-05-01. Review status: criteria provided, single submitter. Criteria: CeGaT Center For Human Genetics Tuebingen Variant Classification Criteria Version 2. Collection method: clinical testing. Allele origin: germline. Affected: yes. Observed: 1 variant allele.
Comment: RHOBTB2: BP4, BP7

NM_015178.3(RHOBTB2):c.1615C>A (p.Arg539=)

Gene: RHOBTB2 (Rho related BTB domain containing 2; plus strand). Cytogenetic location: 8p21.3.
Variant type: single nucleotide variant.
Coding change: c.1615C>A on transcript NM_015178.3 (MANE Select); coding-DNA position 1615, C replaced by A.
Protein change: p.Arg539=; no amino-acid change (arginine 539 retained).
Molecular consequence: synonymous variant.
Genome position (GRCh38, 1-based): chr8:23,008,106, C>A. VCF-style: chr8-23008106-C-A. GRCh37 (hg19) VCF-style: chr8-22865619-C-A.
Other names: c.1681C>A, p.Arg561= (NM_001160036.2); c.1636C>A, p.Arg546= (NM_001160037.2); c.1615C>A, p.Arg539= (NM_001374791.1).
Identifiers: ClinVar variation 4873125 (VCV004873125.2).